The following is an entry in ClinVar:

NM_024996.7(GFM1):c.572+1G>A

Gene: GFM1 (G elongation factor mitochondrial 1; plus strand). Cytogenetic location: 3q25.32.
Variant type: single nucleotide variant.
Coding change: c.572+1G>A on transcript NM_024996.7 (MANE Select); the canonical splice donor site of the intron after coding-DNA position 572, G replaced by A.
Molecular consequence: splice donor variant. On other transcripts: intron variant (4).
Genome position (GRCh38, 1-based): chr3:158,646,948, G>A. VCF-style: chr3-158646948-G-A. GRCh37 (hg19) VCF-style: chr3-158364737-G-A.
Other names: c.572+1G>A (NM_001308164.2, NM_001374355.1, NM_001374356.1 and 1 more transcripts); c.347+1G>A (NM_001374357.1); c.5+1167G>A (NM_001374359.1, NM_001374360.1, NM_001374361.1); c.234+1167G>A (NM_001374358.1).
Identifiers: ClinVar variation 2804770 (VCV002804770.3), dbSNP rs777575435, ClinGen allele CA2682352.
Genomic context (GRCh38, chr3:158,646,948, plus strand): 5'-TTTTATTAACAAATTGGACCGAATGGGCTCCAACCCAGCCAGGGCCCTGCAGCAAATGAG[G>A]TAATGAGCCTTAGAATAAACAAAGAGGATGTGATGATCTAGACAGCAAACCTTATATCCA-3'

ClinVar aggregate classification (germline): Likely pathogenic (1 of 4 stars; one submission).

Allele frequency attached by ClinVar (database versions not stated): TOPMed below 0.00001; ExAC 0.00001.
gnomAD v4.1: 1 of 1,611,912 alleles (0.000062%); no homozygotes.

Submission:

Labcorp Genetics (formerly Invitae), Labcorp
Classification: Likely pathogenic. Last evaluated: 2023-06-05. Review status: criteria provided, single submitter. Criteria: Invitae Variant Classification Sherloc (09022015). Collection method: clinical testing. Allele origin: germline.
Comment: This sequence change affects a donor splice site in intron 4 of the GFM1 gene. It is expected to disrupt RNA splicing. Variants that disrupt the donor or acceptor splice site typically lead to a loss of protein function (PMID: 16199547), and loss-of-function variants in GFM1 are known to be pathogenic (PMID: 16632485, 17160893). This variant is present in population databases (rs777575435, gnomAD 0.0009%). In summary, the currently available evidence indicates that the variant is pathogenic, but additional data are needed to prove that conclusively. Therefore, this variant has been classified as Likely Pathogenic. Algorithms developed to predict the effect of sequence changes on RNA splicing suggest that this variant may disrupt the consensus splice site. This variant has not been reported in the literature in individuals affected with GFM1-related conditions.

Literature cited by the submitters: PubMed 16199547; PubMed 16632485; PubMed 17160893.